The following is an entry in ClinVar:

ClinVar aggregate classification (germline): Conflicting classifications of pathogenicity. Review status: criteria provided, conflicting classifications (1 of 4 stars). 2 submissions from 2 submitters: Uncertain significance (1); Likely benign (1). Last evaluated 2025-12-31.

Conditions:
Luscan-Lumish syndrome. Identifiers: Orphanet 597738, MedGen C4085873, MONDO:0014791, OMIM 616831.
Intellectual developmental disorder, autosomal dominant 70. Identifiers: MedGen C5774271, MONDO:0859333, OMIM 620157.
Rabin-Pappas syndrome. Identifiers: MedGen C5774269, MONDO:0859331, OMIM 620155.

gnomAD v4.1: 30 of 1,614,062 alleles (0.0019%); highest among the groups gnomAD compares: Admixed American, 0.0033%; no homozygotes.

Submissions (2):

Women's Health and Genetics/Laboratory Corporation of America, LabCorp
Classification: Uncertain significance. Last evaluated: 2025-12-31. Review status: criteria provided, single submitter. Criteria: LabCorp Variant Classification Summary - May 2015. Collection method: clinical testing. Allele origin: germline.
Comment: Variant summary: SETD2 c.2210T>C (p.Met737Thr) results in a non-conservative amino acid change in the encoded protein sequence. Algorithms developed to predict the effect of missense changes on protein structure and function are either unavailable or do not agree on the potential impact of this missense change. The variant allele was found at a frequency of 2.4e-05 in 251094 control chromosomes. The available data on variant occurrences in the general population are insufficient to allow any conclusion about variant significance. To our knowledge, no occurrence of c.2210T>C in individuals affected with SETD2-related conditions and no experimental evidence demonstrating its impact on protein function have been reported. ClinVar contains an entry for this variant (Variation ID: 3892409). Based on the evidence outlined above, the variant was classified as uncertain significance.

Department of Pathology and Laboratory Medicine, Sinai Health System
Classification: Likely benign for Luscan-Lumish syndrome; Rabin-Pappas syndrome; Intellectual developmental disorder, autosomal dominant 70. Last evaluated: 2021-07-30. Review status: criteria provided, single submitter. Criteria: ACMG Guidelines, 2015. Collection method: research. Allele origin: germline.

NM_014159.7(SETD2):c.2210T>C (p.Met737Thr)

Gene: SETD2 (SET domain containing 2, histone lysine methyltransferase; minus strand). Cytogenetic location: 3p21.31.
Variant type: single nucleotide variant.
Coding change: c.2210T>C on transcript NM_014159.7 (MANE Select); coding-DNA position 2210, T replaced by C.
Protein change: p.Met737Thr; replaces methionine 737 with threonine.
Molecular consequence: missense variant. On other transcripts: non-coding transcript variant (1).
Genome position (GRCh38, 1-based): chr3:47,122,426, A>G on the plus strand (T>C on the coding strand, the complement: SETD2 is on the minus strand). VCF-style: chr3-47122426-A-G. GRCh37 (hg19) VCF-style: chr3-47163916-A-G.
Other names: c.2078T>C, p.Met693Thr (NM_001349370.3); short protein forms M693T, M737T.
Identifiers: ClinVar variation 3892409 (VCV003892409.2).
Genomic context (GRCh38, chr3:47,122,426, plus strand): 5'-TGGTGTGGTGACACCAGAGGTTCTGTTTCTCTAAATGGGCTTTCTGACTTCTTATGCAGC[A>G]TGCAGGTATCATCCAAGTCTTTTTCTTTGCACCTACTAATATTCTGAAATCCATTTGATG-3'
Protein context (NP_054878.5, residues 727-747): CKEKDLDDTC[Met737Thr]LHKKSESPFR